The following is an entry in ClinVar:

ClinVar aggregate classification (germline): Likely pathogenic (1 of 4 stars; one submission).

Conditions:
PAX2-Related Disorder. Also called: PAX2-related disorders. Identifiers: MedGen CN381309.

Submission:

PreventionGenetics, part of Exact Sciences
Classification: Likely pathogenic for PAX2-related condition. Last evaluated: 2025-06-11. Review status: criteria provided, single submitter. Criteria: ACMG Guidelines, 2015. Collection method: clinical testing. Allele origin: germline.
Comment: The PAX2 c.88G>C variant is predicted to result in the amino acid substitution p.Gly30Arg. To our knowledge, this variant has not been reported in the literature or in a large population database (gnomAD), indicating it is rare. However, a different missense variant affecting this amino acid was reported in a patient with proteinuria, glycosuria and bilateral renal hypoplasia (p.Gly30Cys, Patient 1, Deng et al. 2019. PubMed ID: 31060108). Moreover, the p.Gly30Val variant, which also affects the 30th amino acid, was detected in a patient with chronic kidney disease and optic disc coloboma (Patient 6, Rossanti et al. 2020. PubMed ID: 32203253). The REVEL (rare exome variant ensemble learner) program predicts this variant is pathogenic at a "strong" level (Ioannidis et al. 2016. PubMed ID: 27666373; Bergquist et al. 2024. PubMed ID: 39345488). Taken together, this variant is interpreted as likely pathogenic.

NM_000278.5(PAX2):c.88G>C (p.Gly30Arg)

Gene: PAX2 (paired box 2; plus strand). Cytogenetic location: 10q24.31.
Variant type: single nucleotide variant.
Coding change: c.88G>C on transcript NM_000278.5 (MANE Select); coding-DNA position 88, G replaced by C.
Protein change: p.Gly30Arg; replaces glycine 30 with arginine.
Molecular consequence: missense variant.
Genome position (GRCh38, 1-based): chr10:100,749,790, G>C. VCF-style: chr10-100749790-G-C. GRCh37 (hg19) VCF-style: chr10-102509547-G-C.
Other names: c.181G>C, p.Gly61Arg (NM_001304569.2); c.88G>C, p.Gly30Arg (NM_003987.5, NM_003988.5, NM_003989.5 and 1 more transcripts); short protein forms G30R, G61R.
Identifiers: ClinVar variation 4982448 (VCV004982448.1).
Genomic context (GRCh38, chr10:100,749,790, plus strand): 5'-TCTTGTCTCTCCCCAGCAGGGCACGGGGGTGTGAACCAGCTCGGGGGGGTGTTTGTGAAC[G>C]GCCGGCCCCTACCCGACGTGGTGAGGCAGCGCATCGTGGAGCTGGCCCACCAGGGTGTGC-3'
Protein context (NP_000269.3, residues 20-40): VNQLGGVFVN[Gly30Arg]RPLPDVVRQR